The following is an entry in ClinVar:

NM_000186.4(CFH):c.428-14T>C

Gene: CFH (complement factor H; plus strand). Cytogenetic location: 1q31.3.
Variant type: single nucleotide variant.
Coding change: c.428-14T>C on transcript NM_000186.4 (MANE Select); 14 bases into the intron before coding-DNA position 428, T replaced by C.
Molecular consequence: intron variant.
Genome position (GRCh38, 1-based): chr1:196,677,462, T>C. VCF-style: chr1-196677462-T-C. GRCh37 (hg19) VCF-style: chr1-196646592-T-C.
Other names: c.428-14T>C (NM_001014975.3).
Identifiers: ClinVar variation 294484 (VCV000294484.21), dbSNP rs184188486, ClinGen allele CA1305062.

ClinVar aggregate classification (germline): Benign/Likely benign. Review status: criteria provided, multiple submitters, no conflicts (2 of 4 stars). 15 submissions from 9 submitters: Benign (6); Likely benign (6). 3 of the submissions do not count toward it. Last evaluated 2026-01-29.

Conditions:
CFH-Related Dense Deposit Disease / Membranoproliferative Glomerulonephritis Type II. Identifiers: MedGen CN071292.
Basal laminar drusen. Also called: DRUSEN OF BRUCH MEMBRANE; DRUSEN, CUTICULAR; DRUSEN, EARLY ADULT-ONSET, GROUPED. Identifiers: Orphanet 75376, MedGen C0730295, MONDO:0007472, OMIM 126700.
Age related macular degeneration 4. Identifiers: MedGen C1853147, MONDO:0012540, OMIM 610698.
Hemolytic uremic syndrome, atypical, susceptibility to, 1. Also called: AHUS, SUSCEPTIBILITY TO, 1. Identifiers: Orphanet 2134, Orphanet 90038, MedGen C2749604, MONDO:0009335, OMIM 235400. Disease mechanism: Other.
Factor H deficiency (CFHD). Also called: COMPLEMENT FACTOR H DEFICIENCY; CFH DEFICIENCY. Identifiers: Orphanet 200421, MedGen C0398777, MONDO:0012350, OMIM 609814.

Allele frequency attached by ClinVar (database versions not stated): gnomAD exomes 0.00105 and 0.00169; ESP Exome Variant Server 0.00138; ExAC 0.00163; gnomAD 0.00269 and 0.00271; TOPMed 0.00345; 1000 Genomes Project 0.00459; 1000 Genomes Project 30x 0.00468.
gnomAD v4.1: 2,080 of 1,609,142 alleles (0.13%); highest among the groups gnomAD compares: Middle Eastern, 1.6%; 9 homozygotes.

Submissions (15):

Labcorp Genetics (formerly Invitae), Labcorp
Classification: Benign. Last evaluated: 2026-01-29. Review status: criteria provided, single submitter. Criteria: Invitae Variant Classification Sherloc (09022015). Collection method: clinical testing. Allele origin: germline.

Blueprint Genetics
Classification: Likely benign. Last evaluated: 2024-11-08. Review status: criteria provided, single submitter. Criteria: ACMG Guidelines, 2015. Collection method: clinical testing. Allele origin: germline.

Genome-Nilou Lab
Classification: Benign for Hemolytic uremic syndrome, atypical, susceptibility to, 1. Last evaluated: 2023-04-11. Review status: criteria provided, single submitter. Criteria: ACMG Guidelines, 2015. Collection method: clinical testing. Allele origin: germline. Affected: no.

Genome-Nilou Lab
Classification: Benign for Age related macular degeneration 4. Last evaluated: 2023-04-11. Review status: criteria provided, single submitter. Criteria: ACMG Guidelines, 2015. Collection method: clinical testing. Allele origin: germline. Affected: no.

Genome-Nilou Lab
Classification: Benign for Basal laminar drusen. Last evaluated: 2023-04-11. Review status: criteria provided, single submitter. Criteria: ACMG Guidelines, 2015. Collection method: clinical testing. Allele origin: germline. Affected: no.

Genome-Nilou Lab
Classification: Benign for Factor H deficiency. Last evaluated: 2023-04-11. Review status: criteria provided, single submitter. Criteria: ACMG Guidelines, 2015. Collection method: clinical testing. Allele origin: germline. Affected: no.

Fulgent Genetics
Classification: Likely benign for Basal laminar drusen; Hemolytic uremic syndrome, atypical, susceptibility to, 1; Factor H deficiency; Age related macular degeneration 4. Last evaluated: 2021-09-17. Review status: criteria provided, single submitter. Criteria: ACMG Guidelines, 2015. Collection method: clinical testing. Allele origin: unknown.

Illumina Laboratory Services, Illumina
Classification: Benign for Hemolytic uremic syndrome, atypical, susceptibility to, 1. Last evaluated: 2018-01-12. Review status: criteria provided, single submitter. Criteria: ICSL Variant Classification Criteria 13 December 2019. Collection method: clinical testing. Allele origin: germline.
Comment: This variant was observed in the ICSL laboratory as part of a predisposition screen in an ostensibly healthy population. It had not been previously curated by ICSL or reported in the Human Gene Mutation Database (HGMD: prior to June 1st, 2018), and was therefore a candidate for classification through an automated scoring system. Utilizing variant allele frequency, disease prevalence and penetrance estimates, and inheritance mode, an automated score was calculated to assess if this variant is too frequent to cause the disease. Based on the score and internal cut-off values, a variant classified as benign is not then subjected to further curation. The score for this variant resulted in a classification of benign for this disease.

Illumina Laboratory Services, Illumina
Classification: Likely benign for Basal laminar drusen. Last evaluated: 2018-01-12. Review status: criteria provided, single submitter. Criteria: ICSL Variant Classification Criteria 13 December 2019. Collection method: clinical testing. Allele origin: germline.
Comment: This variant was observed in the ICSL laboratory as part of a predisposition screen in an ostensibly healthy population. It had not been previously curated by ICSL or reported in the Human Gene Mutation Database (HGMD: prior to June 1st, 2018), and was therefore a candidate for classification through an automated scoring system. Utilizing variant allele frequency, disease prevalence and penetrance estimates, and inheritance mode, an automated score was calculated to assess if this variant is too frequent to cause the disease. Based on the score and internal cut-off values, a variant classified as likely benign is not then subjected to further curation. The score for this variant resulted in a classification of likely benign for this disease.

Illumina Laboratory Services, Illumina
Classification: Likely benign for Membranoproliferative glomerulonephritis with complement factor h deficiency. Last evaluated: 2018-01-12. Review status: criteria provided, single submitter. Criteria: ICSL Variant Classification Criteria 13 December 2019. Collection method: clinical testing. Allele origin: germline.
Comment: the same text as in the submission from Illumina Laboratory Services, Illumina above.

Illumina Laboratory Services, Illumina
Classification: Likely benign for Age related macular degeneration 4. Last evaluated: 2018-01-12. Review status: criteria provided, single submitter. Criteria: ICSL Variant Classification Criteria 13 December 2019. Collection method: clinical testing. Allele origin: germline.
Comment: the same text as in the submission from Illumina Laboratory Services, Illumina above.

Breakthrough Genomics
Classification: Likely benign. Review status: criteria provided, single submitter. Criteria: ACMG Guidelines, 2015. Collection method: not provided. Allele origin: germline. Inheritance: Autosomal recessive inheritance. Affected: yes.

Clinical Genetics, Academic Medical Center
Classification: Benign. Review status: no assertion criteria provided. Collection method: clinical testing. Allele origin: germline. Affected: yes. Study: VKGL Data-share Consensus. Not counted in ClinVar's aggregate classification.

Genome Diagnostics Laboratory, University Medical Center Utrecht
Classification: Likely benign. Review status: no assertion criteria provided. Collection method: clinical testing. Allele origin: germline. Affected: yes. Study: VKGL Data-share Consensus. Not counted in ClinVar's aggregate classification.

Joint Genome Diagnostic Labs from Nijmegen and Maastricht, Radboudumc and MUMC+
Classification: Likely benign. Review status: no assertion criteria provided. Collection method: clinical testing. Allele origin: germline. Affected: yes. Study: VKGL Data-share Consensus. Not counted in ClinVar's aggregate classification.